The following is an entry in ClinVar:

NM_130839.5(UBE3A):c.361+29T>C

Genes: SNHG14 (small nucleolar RNA host gene 14; plus strand), UBE3A (ubiquitin protein ligase E3A; minus strand). Cytogenetic location: 15q11.2.
Variant type: single nucleotide variant.
Coding change: c.361+29T>C on transcript NM_130839.5 (MANE Select); 29 bases into the intron after coding-DNA position 361, T replaced by C.
Molecular consequence: intron variant.
Genome position (GRCh38, 1-based): chr15:25,375,436, A>G on the plus strand (T>C on the coding strand, the complement: UBE3A is on the minus strand). VCF-style: chr15-25375436-A-G. GRCh37 (hg19) VCF-style: chr15-25620583-A-G.
Other names: c.184+29T>C (NM_001354546.2); c.301+29T>C (NM_001354551.2, NM_001354549.2, NM_001354548.2 and 18 more transcripts); c.361+29T>C (NM_001354550.2, NM_001354545.2, NM_001354538.2 and 1 more transcripts); c.370+29T>C (NM_000462.5).
Identifiers: ClinVar variation 156129 (VCV000156129.1), dbSNP rs587782914, ClinGen allele CA333420.

ClinVar aggregate classification (germline): Uncertain significance (0 of 4 stars; one submission).

Conditions:
Angelman syndrome (AS). Also called: HAPPY PUPPET SYNDROME. Identifiers: Orphanet 72, MedGen C0162635, MONDO:0007113, OMIM 105830. Disease mechanism: loss of function. Inheritance: AS is caused by disruption of maternally imprinted UBE3A located within the 15q11.2-q13 Angelman syndrome/Prader-Willi syndrome (AS/PWS) region., imprinting disorder.

Allele frequency attached by ClinVar (database versions not stated): ExAC 0.00001; gnomAD 0.00001; gnomAD exomes 0.00002 and 0.00007; TOPMed 0.00003.
gnomAD v4.1: 116 of 1,610,262 alleles (0.0072%); highest among the groups gnomAD compares: Non-Finnish European, 0.0084%; no homozygotes.

Submission:

Baylor Genetics
Classification: Uncertain significance for Angelman syndrome. Last evaluated: 2014-02-14. Review status: no assertion criteria provided. Collection method: clinical testing. Allele origin: germline. Affected: yes. Observed: 1 variant allele. Study: UBE3A Mutation Study.
Comment: possible diagnosis of Angelman syndrome

Data collected from clinical UBE3A sequence analysis results

Literature cited by the submitters: PubMed 25212744.